The following is an entry in ClinVar:

NM_002599.5(PDE2A):c.606T>A (p.Ala202=)

Gene: PDE2A (phosphodiesterase 2A; minus strand). Cytogenetic location: 11q13.4.
Variant type: single nucleotide variant.
Coding change: c.606T>A on transcript NM_002599.5 (MANE Select); coding-DNA position 606, T replaced by A.
Protein change: p.Ala202=; no amino-acid change (alanine 202 retained).
Molecular consequence: synonymous variant.
Genome position (GRCh38, 1-based): chr11:72,590,524, A>T on the plus strand (T>A on the coding strand, the complement: PDE2A is on the minus strand). VCF-style: chr11-72590524-A-T. GRCh37 (hg19) VCF-style: chr11-72301568-A-T.
Other names: c.585T>A, p.Ala195= (NM_001143839.4); c.579T>A, p.Ala193= (NM_001146209.3); c.543T>A, p.Ala181= (NM_001243784.2).
Identifiers: ClinVar variation 2642125 (VCV002642125.24), dbSNP rs2135306596, ClinGen allele CA475868026.

ClinVar aggregate classification (germline): Likely benign (1 of 4 stars; one submission).

Submission:

CeGaT Center for Human Genetics Tuebingen
Classification: Likely benign. Last evaluated: 2022-07-01. Review status: criteria provided, single submitter. Criteria: CeGaT Center For Human Genetics Tuebingen Variant Classification Criteria Version 2. Collection method: clinical testing. Allele origin: germline. Affected: yes. Observed: 1 variant allele.
Comment: PDE2A: PM2:Supporting, BP4, BP7